The following is an entry in ClinVar:

NM_006282.5(STK4):c.246C>T (p.Ser82=)

Gene: STK4 (serine/threonine kinase 4; plus strand). Cytogenetic location: 20q13.12.
Variant type: single nucleotide variant.
Coding change: c.246C>T on transcript NM_006282.5 (MANE Select); coding-DNA position 246, C replaced by T.
Protein change: p.Ser82=; no amino-acid change (serine 82 retained).
Molecular consequence: synonymous variant.
Genome position (GRCh38, 1-based): chr20:44,981,829, C>T. VCF-style: chr20-44981829-C-T. GRCh37 (hg19) VCF-style: chr20-43610470-C-T.
Other names: c.246C>T, p.Ser82= (NM_001352385.2).
Identifiers: ClinVar variation 1911839 (VCV001911839.7), dbSNP rs368631495, ClinGen allele CA9873760.

ClinVar aggregate classification (germline): Conflicting classifications of pathogenicity. Review status: criteria provided, conflicting classifications (1 of 4 stars). 3 submissions from 3 submitters: Uncertain significance (1); Likely benign (2). Last evaluated 2024-06-02.

Conditions:
Inborn genetic diseases. Identifiers: MedGen C0950123, MeSH D030342.
Combined immunodeficiency due to STK4 deficiency (IMD110). Also called: STK4 DEFICIENCY; MST1 DEFICIENCY; T-cell immunodeficiency, recurrent infections, and autoimmunity with or without cardiac malformations. Identifiers: Orphanet 314689, MedGen C3553943, MONDO:0013934, OMIM 614868.

Allele frequency attached by ClinVar (database versions not stated): TOPMed below 0.00001; gnomAD 0.00001; ExAC 0.00002; ESP Exome Variant Server 0.00008.
gnomAD v4.1: 14 of 1,582,670 alleles (0.00088%); highest among the groups gnomAD compares: African/African-American, 0.0013%; no homozygotes.

Submissions (3):

Ambry Genetics
Classification: Likely benign for Inborn genetic diseases. Last evaluated: 2024-06-02. Review status: criteria provided, single submitter. Criteria: Ambry Variant Classification Scheme 2023. Collection method: clinical testing. Allele origin: germline.

Blueprint Genetics
Classification: Likely benign. Last evaluated: 2024-03-20. Review status: criteria provided, single submitter. Criteria: ACMG Guidelines, 2015. Collection method: clinical testing. Allele origin: germline.

Labcorp Genetics (formerly Invitae), Labcorp
Classification: Uncertain significance for Combined immunodeficiency due to STK4 deficiency. Last evaluated: 2022-08-13. Review status: criteria provided, single submitter. Criteria: Invitae Variant Classification Sherloc (09022015). Collection method: clinical testing. Allele origin: germline.
Comment: In summary, the available evidence is currently insufficient to determine the role of this variant in disease. Therefore, it has been classified as a Variant of Uncertain Significance. Algorithms developed to predict the effect of sequence changes on RNA splicing suggest that this variant is not likely to affect RNA splicing. This variant has not been reported in the literature in individuals affected with STK4-related conditions. This variant is present in population databases (rs368631495, gnomAD 0.007%). This sequence change affects codon 82 of the STK4 mRNA. It is a 'silent' change, meaning that it does not change the encoded amino acid sequence of the STK4 protein. It affects a nucleotide within the consensus splice site.